The following is an entry in ClinVar:

ClinVar aggregate classification (germline): Uncertain significance (1 of 4 stars; one submission).

Submission:

Labcorp Genetics (formerly Invitae), Labcorp
Classification: Uncertain significance. Last evaluated: 2023-07-21. Review status: criteria provided, single submitter. Criteria: Invitae Variant Classification Sherloc (09022015). Collection method: clinical testing. Allele origin: germline.
Comment: In summary, the available evidence is currently insufficient to determine the role of this variant in disease. Therefore, it has been classified as a Variant of Uncertain Significance. An algorithm developed to predict the effect of missense changes on protein structure and function (PolyPhen-2) suggests that this variant is likely to be disruptive. This variant has not been reported in the literature in individuals affected with ADGRB2-related conditions. This variant is not present in population databases (gnomAD no frequency). This sequence change replaces serine, which is neutral and polar, with phenylalanine, which is neutral and non-polar, at codon 715 of the ADGRB2 protein (p.Ser715Phe).

NM_001364857.2(ADGRB2):c.2144C>T (p.Ser715Phe)

Gene: ADGRB2 (adhesion G protein-coupled receptor B2; minus strand). Cytogenetic location: 1p35.2.
Variant type: single nucleotide variant.
Coding change: c.2144C>T on transcript NM_001364857.2 (MANE Select); coding-DNA position 2144, C replaced by T.
Protein change: p.Ser715Phe; replaces serine 715 with phenylalanine.
Molecular consequence: missense variant.
Genome position (GRCh38, 1-based): chr1:31,739,949, G>A on the plus strand (C>T on the coding strand, the complement: ADGRB2 is on the minus strand). VCF-style: chr1-31739949-G-A. GRCh37 (hg19) VCF-style: chr1-32205550-G-A.
Other names: c.2144C>T, p.Ser715Phe (NM_001294335.2, NM_001294336.2, NM_001703.2); short protein forms S715F.
Identifiers: ClinVar variation 2745616 (VCV002745616.3), dbSNP rs2523931169, ClinGen allele CA339608190.